The following is an entry in ClinVar:

ClinVar aggregate classification (germline): Benign. Review status: criteria provided, multiple submitters, no conflicts (2 of 4 stars). 4 submissions from 4 submitters: Benign (4). Last evaluated 2026-02-04.

Conditions:
Junctional epidermolysis bullosa. Identifiers: Orphanet 305, MedGen C0079301, MONDO:0017612.

Allele frequency attached by ClinVar (database versions not stated): ESP Exome Variant Server 0.04152; TOPMed 0.04251; 1000 Genomes Project 30x 0.04419; gnomAD exomes 0.00365 and 0.00965; gnomAD 0.04067 and 0.03790; 1000 Genomes Project 0.04073; ExAC 0.01187.
gnomAD v4.1: 11,318 of 1,613,696 alleles (0.7%); highest among the groups gnomAD compares: African/African-American, 13%; 721 homozygotes.

Submissions (4):

Labcorp Genetics (formerly Invitae), Labcorp
Classification: Benign. Last evaluated: 2026-02-04. Review status: criteria provided, single submitter. Criteria: Invitae Variant Classification Sherloc (09022015). Collection method: clinical testing. Allele origin: germline.

Illumina Laboratory Services, Illumina
Classification: Benign for Junctional epidermolysis bullosa. Last evaluated: 2018-01-12. Review status: criteria provided, single submitter. Criteria: ICSL Variant Classification Criteria 13 December 2019. Collection method: clinical testing. Allele origin: germline.
Comment: This variant was observed in the ICSL laboratory as part of a predisposition screen in an ostensibly healthy population. It had not been previously curated by ICSL or reported in the Human Gene Mutation Database (HGMD: prior to June 1st, 2018), and was therefore a candidate for classification through an automated scoring system. Utilizing variant allele frequency, disease prevalence and penetrance estimates, and inheritance mode, an automated score was calculated to assess if this variant is too frequent to cause the disease. Based on the score and internal cut-off values, a variant classified as benign is not then subjected to further curation. The score for this variant resulted in a classification of benign for this disease.

GeneDx
Classification: Benign. Last evaluated: 2015-03-03. Review status: criteria provided, single submitter. Criteria: GeneDx Variant Classification Process June 2021. Collection method: clinical testing. Allele origin: germline. Affected: yes.

Breakthrough Genomics
Classification: Benign. Review status: criteria provided, single submitter. Criteria: ACMG Guidelines, 2015. Collection method: not provided. Allele origin: germline. Inheritance: Autosomal recessive inheritance. Affected: yes.

NM_000228.3(LAMB3):c.1312T>A (p.Ser438Thr)

Gene: LAMB3 (laminin subunit beta 3; minus strand). Cytogenetic location: 1q32.2.
Variant type: single nucleotide variant.
Coding change: c.1312T>A on transcript NM_000228.3 (MANE Select); coding-DNA position 1312, T replaced by A.
Protein change: p.Ser438Thr; replaces serine 438 with threonine.
Molecular consequence: missense variant.
Genome position (GRCh38, 1-based): chr1:209,627,556, A>T on the plus strand (T>A on the coding strand, the complement: LAMB3 is on the minus strand). VCF-style: chr1-209627556-A-T. GRCh37 (hg19) VCF-style: chr1-209800901-A-T.
Other names: c.1312T>A, p.Ser438Thr (NM_001017402.2, NM_001127641.1); short protein forms S438T.
Identifiers: ClinVar variation 295110 (VCV000295110.17), dbSNP rs2229468, ClinGen allele CA1375622.